The following is an entry in ClinVar:

NM_000246.4(CIITA):c.1580G>C (p.Gly527Ala)

Gene: CIITA (class II major histocompatibility complex transactivator; plus strand). Cytogenetic location: 16p13.13.
Variant type: single nucleotide variant.
Coding change: c.1580G>C on transcript NM_000246.4 (MANE Select); coding-DNA position 1580, G replaced by C.
Protein change: p.Gly527Ala; replaces glycine 527 with alanine.
Molecular consequence: missense variant. On other transcripts: intron variant (1).
Genome position (GRCh38, 1-based): chr16:10,907,072, G>C. VCF-style: chr16-10907072-G-C. GRCh37 (hg19) VCF-style: chr16-11000929-G-C.
Other names: c.1583G>C, p.Gly528Ala (NM_001286402.1, NM_001379332.1); c.1436G>C, p.Gly479Ala (NM_001379330.1); c.1433G>C, p.Gly478Ala (NM_001379331.1); c.1580G>C, p.Gly527Ala (NM_001379333.1); c.1511G>C, p.Gly504Ala (NM_001379334.1); c.860-1911G>C (NM_001286403.2); short protein forms G479A, G528A, G478A, G504A, G527A.
Identifiers: ClinVar variation 2142306 (VCV002142306.1), dbSNP rs762177047, ClinGen allele CA7900180.
Genomic context (GRCh38, chr16:10,907,072, plus strand): 5'-AAGATGGCTTCCTGCACAGCACGTGCGGACCGGCACCGGCGGAGCCCTGCTCCCTCCGGG[G>C]GCTGCTGGCCGGCCTTTTCCAGAAGAAGCTGCTCCGAGGTTGCACCCTCCTCCTCACAGC-3'
Protein context (NP_000237.2, residues 517-537): PAPAEPCSLR[Gly527Ala]LLAGLFQKKL

ClinVar aggregate classification (germline): Uncertain significance (1 of 4 stars; one submission).

Conditions:
MHC class II deficiency. Also called: Bare lymphocyte syndrome 2; BLS, TYPE II. Identifiers: Orphanet 572, MedGen C5447452, MONDO:0008855.

Allele frequency attached by ClinVar (database versions not stated): gnomAD 0.00001; ExAC 0.00005.
gnomAD v4.1: 25 of 1,607,444 alleles (0.0016%); highest among the groups gnomAD compares: Admixed American, 0.035%; no homozygotes.

Submission:

Labcorp Genetics (formerly Invitae), Labcorp
Classification: Uncertain significance for MHC class II deficiency. Last evaluated: 2022-09-26. Review status: criteria provided, single submitter. Criteria: Invitae Variant Classification Sherloc (09022015). Collection method: clinical testing. Allele origin: germline.
Comment: This sequence change replaces glycine, which is neutral and non-polar, with alanine, which is neutral and non-polar, at codon 527 of the CIITA protein (p.Gly527Ala). This variant is present in population databases (rs762177047, gnomAD 0.04%). This variant has not been reported in the literature in individuals affected with CIITA-related conditions. Algorithms developed to predict the effect of missense changes on protein structure and function output the following: SIFT: "Tolerated"; PolyPhen-2: "Benign"; Align-GVGD: "Class C0". The alanine amino acid residue is found in multiple mammalian species, which suggests that this missense change does not adversely affect protein function. In summary, the available evidence is currently insufficient to determine the role of this variant in disease. Therefore, it has been classified as a Variant of Uncertain Significance.